The following is an entry in ClinVar:

ClinVar aggregate classification (germline): Benign/Likely benign. Review status: criteria provided, multiple submitters, no conflicts (2 of 4 stars). 3 submissions from 3 submitters: Benign (1); Likely benign (2). Last evaluated 2025-07-30.

Conditions:
Gastrointestinal stromal tumor. Also called: Gastrointestinal stromal tumor, somatic; Gastrointestinal stroma tumor. Identifiers: Orphanet 44890, MedGen C0238198, MeSH D046152, MONDO:0011719, OMIM 606764, HP:0100723.
Pheochromocytoma/paraganglioma syndrome 4. Also called: SDHB-Related Hereditary Paraganglioma-Pheochromocytoma Syndrome (Paragangliomas 4); SDHB-Related Hereditary Paraganglioma-Pheochromocytoma Syndrome; CAROTID BODY TUMORS AND MULTIPLE EXTRAADRENAL PHEOCHROMOCYTOMAS; PARAGANGLIOMA, FAMILIAL MALIGNANT; PARAGANGLIOMAS, HEREDITARY EXTRAADRENAL; PHEOCHROMOCYTOMA, FAMILIAL EXTRAADRENAL. Identifiers: Orphanet 29072, MedGen C1861848, MONDO:0007273, OMIM 115310.
Pheochromocytoma. Also called: MAX-Related Hereditary Paraganglioma-Pheochromocytoma Syndrome. Identifiers: Orphanet 29072, MedGen C0031511, MONDO:0008233, OMIM 171300, HP:0002666.
Hereditary cancer-predisposing syndrome. Also called: Neoplastic Syndromes, Hereditary; Hereditary Cancer Syndrome; Hereditary neoplastic syndrome; Tumor predisposition. Identifiers: Orphanet 140162, MedGen C0027672, MeSH D009386, MONDO:0015356.

Submissions (3):

Labcorp Genetics (formerly Invitae), Labcorp
Classification: Likely benign for Gastrointestinal stromal tumor; Pheochromocytoma/paraganglioma syndrome 4; Pheochromocytoma. Last evaluated: 2025-07-30. Review status: criteria provided, single submitter. Criteria: Invitae Variant Classification Sherloc (09022015). Collection method: clinical testing. Allele origin: germline.

Myriad Genetics, Inc.
Classification: Benign for Pheochromocytoma/paraganglioma syndrome 4. Last evaluated: 2025-03-12. Review status: criteria provided, single submitter. Criteria: Myriad Autosomal Dominant, Autosomal Recessive and X-Linked Classification Criteria (2023). Collection method: clinical testing. Allele origin: unknown.
Comment: This variant is considered benign. This variant is a silent/synonymous amino acid change and it is not expected to impact splicing.

Ambry Genetics
Classification: Likely benign for Hereditary cancer-predisposing syndrome. Last evaluated: 2020-03-21. Review status: criteria provided, single submitter. Criteria: Ambry Variant Classification Scheme 2023. Collection method: clinical testing. Allele origin: germline.

NM_003000.3(SDHB):c.447G>A (p.Gln149=)

Gene: SDHB (succinate dehydrogenase complex iron sulfur subunit B; minus strand). Cytogenetic location: 1p36.13.
Variant type: single nucleotide variant.
Coding change: c.447G>A on transcript NM_003000.3 (MANE Select); coding-DNA position 447, G replaced by A.
Protein change: p.Gln149=; no amino-acid change (glutamine 149 retained).
Molecular consequence: synonymous variant.
Genome position (GRCh38, 1-based): chr1:17,027,842, C>T on the plus strand (G>A on the coding strand, the complement: SDHB is on the minus strand). VCF-style: chr1-17027842-C-T. GRCh37 (hg19) VCF-style: chr1-17354337-C-T.
Identifiers: ClinVar variation 733242 (VCV000733242.13), dbSNP rs200353146, ClinGen allele CA416086252.
Genomic context (GRCh38, chr1:17,027,842, plus strand): 5'-CTGCTGCTTGCCTTCCTGAGATTCATCCTTCTTCTTCAAATAAGGCTCAATGGATTTGTA[C>T]TGTGCATAGAAGTTGCTCAAATCCTGTGGTTAAGAGGAAGAAGAAGAAGAAGAAGAAGAA-3'
Protein context (NP_002991.2, residues 139-159): LVPDLSNFYA[Gln149=]YKSIEPYLKK